The following is an entry in ClinVar:

NM_001101362.3(KBTBD13):c.829C>G (p.Arg277Gly)

Gene: KBTBD13 (kelch repeat and BTB domain containing 13; plus strand). Cytogenetic location: 15q22.31.
Variant type: single nucleotide variant.
Coding change: c.829C>G on transcript NM_001101362.3 (MANE Select); coding-DNA position 829, C replaced by G.
Protein change: p.Arg277Gly; replaces arginine 277 with glycine.
Molecular consequence: missense variant.
Genome position (GRCh38, 1-based): chr15:65,077,644, C>G. VCF-style: chr15-65077644-C-G. GRCh37 (hg19) VCF-style: chr15-65369982-C-G.
Other names: short protein forms R277G.
Identifiers: ClinVar variation 1383906 (VCV001383906.6), dbSNP rs754708028, ClinGen allele CA392863801.

ClinVar aggregate classification (germline): Uncertain significance (1 of 4 stars; one submission).

Conditions:
Nemaline myopathy 6 (NEM6). Also called: Nemaline myopathy 6, autosomal dominant. Identifiers: Orphanet 171439, MedGen C1836472, MONDO:0012237, OMIM 609273.

gnomAD v4.1: 2 of 1,589,900 alleles (0.00013%); highest among the groups gnomAD compares: Non-Finnish European, 0.00017%; no homozygotes.

Submission:

Labcorp Genetics (formerly Invitae), Labcorp
Classification: Uncertain significance for Nemaline myopathy 6. Last evaluated: 2024-03-11. Review status: criteria provided, single submitter. Criteria: Invitae Variant Classification Sherloc (09022015). Collection method: clinical testing. Allele origin: germline.
Comment: This sequence change replaces arginine, which is basic and polar, with glycine, which is neutral and non-polar, at codon 277 of the KBTBD13 protein (p.Arg277Gly). This variant is present in population databases (no rsID available, gnomAD 0.001%). This variant has not been reported in the literature in individuals affected with KBTBD13-related conditions. ClinVar contains an entry for this variant (Variation ID: 1383906). Advanced modeling of protein sequence and biophysical properties (such as structural, functional, and spatial information, amino acid conservation, physicochemical variation, residue mobility, and thermodynamic stability) performed at Invitae indicates that this missense variant is not expected to disrupt KBTBD13 protein function with a negative predictive value of 80%. In summary, the available evidence is currently insufficient to determine the role of this variant in disease. Therefore, it has been classified as a Variant of Uncertain Significance.